The following is an entry in ClinVar:

NM_152703.5(SAMD9L):c.3394A>C (p.Lys1132Gln)

Gene: SAMD9L (sterile alpha motif domain containing 9 like; minus strand). Cytogenetic location: 7q21.2.
Variant type: single nucleotide variant.
Coding change: c.3394A>C on transcript NM_152703.5 (MANE Select); coding-DNA position 3394, A replaced by C.
Protein change: p.Lys1132Gln; replaces lysine 1132 with glutamine.
Molecular consequence: missense variant.
Genome position (GRCh38, 1-based): chr7:93,132,578, T>G on the plus strand (A>C on the coding strand, the complement: SAMD9L is on the minus strand). VCF-style: chr7-93132578-T-G. GRCh37 (hg19) VCF-style: chr7-92761891-T-G.
Other names: c.3394A>C, p.Lys1132Gln (NM_001303496.3, NM_001303497.3, NM_001303498.3 and 5 more transcripts); short protein forms K1132Q.
Identifiers: ClinVar variation 1337890 (VCV001337890.4), dbSNP rs2116479679, ClinGen allele CA368182841.

ClinVar aggregate classification (germline): Uncertain significance (1 of 4 stars; one submission).

Submission:

Genetic Services Laboratory, University of Chicago
Classification: Uncertain significance. Last evaluated: 2021-04-07. Review status: criteria provided, single submitter. Criteria: ACMG Guidelines, 2015. Collection method: clinical testing. Allele origin: germline. Affected: no.
Comment: The sequence change, c.3394A>C, results in an amino acid change, p.Lys1132Gln. This sequence change does not appear to have been previously described in individuals with SAMD9L-related disorders. This sequence change is absent in the gnomAD population database. The p.Lys1132Gln change affects highly conserved amino acid residue of the SAMD9L protein. In-silico pathogenicity prediction tools (SIFT, PolyPhen2, Align GVGD, REVEL) provide contradictory results for the p.Lys1132Gln substitution. Due to these contrasting evidences and the lack of functional studies, the clinical significance of the p.Lys1132Gln change remains unknown at this time.